The following is an entry in ClinVar:

NM_152281.3(GORAB):c.223G>A (p.Val75Ile)

Gene: GORAB (golgin, RAB6 interacting; plus strand). Cytogenetic location: 1q24.2.
Variant type: single nucleotide variant.
Coding change: c.223G>A on transcript NM_152281.3 (MANE Select); coding-DNA position 223, G replaced by A.
Protein change: p.Val75Ile; replaces valine 75 with isoleucine.
Molecular consequence: missense variant. On other transcripts: 5 prime UTR variant (1), non-coding transcript variant (1).
Genome position (GRCh38, 1-based): chr1:170,539,371, G>A. VCF-style: chr1-170539371-G-A. GRCh37 (hg19) VCF-style: chr1-170508512-G-A.
Other names: c.298G>A (NM_152281.2); c.223G>A, p.Val75Ile (NM_001146039.2); c.-243G>A (NM_001320252.2); short protein forms V75I.
Identifiers: ClinVar variation 424921 (VCV000424921.50), dbSNP rs751708902, ClinGen allele CA1239064.
Genomic context (GRCh38, chr1:170,539,371, plus strand): 5'-GATGGATCAACCTCATTACTTCCAGAGCAGCTGCTTTCAGCACCAAAACAGAGAGTTAAC[G>A]TTCAAAAACCACCTTTTTCTTCCCCTACTCTTCCGAGTCATTTCACTCTCACCTCCCCCG-3'
Protein context (NP_689494.3, residues 65-85): LLSAPKQRVN[Val75Ile]QKPPFSSPTL

ClinVar aggregate classification (germline): Uncertain significance. Review status: criteria provided, multiple submitters, no conflicts (2 of 4 stars). 4 submissions from 4 submitters: Uncertain significance (4). Last evaluated 2025-02-01.

Conditions:
Inborn genetic diseases. Identifiers: MedGen C0950123, MeSH D030342.
Geroderma osteodysplastica (GO). Also called: WALT DISNEY DWARFISM; Geroderma osteodysplasticum. Identifiers: Orphanet 2078, MedGen C0432255, MONDO:0009271, OMIM 231070.

Allele frequency attached by ClinVar (database versions not stated): gnomAD 0.00003 and 0.00004; gnomAD exomes 0.00003 and 0.00006; TOPMed 0.00006; ExAC 0.00007.
gnomAD v4.1: 44 of 1,613,966 alleles (0.0027%); highest among the groups gnomAD compares: South Asian, 0.026%; no homozygotes.

Submissions (4):

CeGaT Center for Human Genetics Tuebingen
Classification: Uncertain significance. Last evaluated: 2025-02-01. Review status: criteria provided, single submitter. Criteria: CeGaT Center For Human Genetics Tuebingen Variant Classification Criteria Version 2. Collection method: clinical testing. Allele origin: germline. Affected: yes. Observed: 2 variant alleles.
Comment: GORAB: PM2, BP4

Labcorp Genetics (formerly Invitae), Labcorp
Classification: Uncertain significance. Last evaluated: 2024-11-04. Review status: criteria provided, single submitter. Criteria: Invitae Variant Classification Sherloc (09022015). Collection method: clinical testing. Allele origin: germline.
Comment: This sequence change replaces valine, which is neutral and non-polar, with isoleucine, which is neutral and non-polar, at codon 100 of the GORAB protein (p.Val100Ile). The frequency data for this variant in the population databases is considered unreliable, as metrics indicate poor data quality at this position in the gnomAD database. This variant has not been reported in the literature in individuals affected with GORAB-related conditions. ClinVar contains an entry for this variant (Variation ID: 424921). An algorithm developed to predict the effect of missense changes on protein structure and function outputs the following: PolyPhen-2: "Benign". The isoleucine amino acid residue is found in multiple mammalian species, which suggests that this missense change does not adversely affect protein function. In summary, the available evidence is currently insufficient to determine the role of this variant in disease. Therefore, it has been classified as a Variant of Uncertain Significance.

Genome-Nilou Lab
Classification: Uncertain significance for Geroderma osteodysplastica. Last evaluated: 2023-04-11. Review status: criteria provided, single submitter. Criteria: ACMG Guidelines, 2015. Collection method: clinical testing. Allele origin: germline. Affected: no.

Ambry Genetics
Classification: Uncertain significance for Inborn genetic diseases. Last evaluated: 2023-04-04. Review status: criteria provided, single submitter. Criteria: Ambry Variant Classification Scheme 2023. Collection method: clinical testing. Allele origin: germline.